The following is an entry in ClinVar:

NM_014391.3(ANKRD1):c.761C>G (p.Thr254Ser)

Gene: ANKRD1 (ankyrin repeat domain 1; minus strand). Cytogenetic location: 10q23.31.
Variant type: single nucleotide variant.
Coding change: c.761C>G on transcript NM_014391.3 (MANE Select); coding-DNA position 761, C replaced by G.
Protein change: p.Thr254Ser; replaces threonine 254 with serine.
Molecular consequence: missense variant.
Genome position (GRCh38, 1-based): chr10:90,915,631, G>C on the plus strand (C>G on the coding strand, the complement: ANKRD1 is on the minus strand). VCF-style: chr10-90915631-G-C. GRCh37 (hg19) VCF-style: chr10-92675388-G-C.
Other names: short protein forms T254S.
Identifiers: ClinVar variation 1018393 (VCV001018393.13), dbSNP rs1018718576, ClinGen allele CA211421337.

ClinVar aggregate classification (germline): Uncertain significance. Review status: criteria provided, multiple submitters, no conflicts (2 of 4 stars). 2 submissions from 2 submitters: Uncertain significance (2). Last evaluated 2024-05-02.

Conditions:
Cardiovascular phenotype. Identifiers: MedGen CN230736.
ANKRD1-related dilated cardiomyopathy. Identifiers: MedGen CN119551.

gnomAD v4.1: 3 of 1,613,942 alleles (0.00019%); highest among the groups gnomAD compares: Non-Finnish European, 0.00025%; no homozygotes.

Submissions (2):

Ambry Genetics
Classification: Uncertain significance for Cardiovascular phenotype. Last evaluated: 2024-05-02. Review status: criteria provided, single submitter. Criteria: Ambry Variant Classification Scheme 2023. Collection method: clinical testing. Allele origin: germline.
Comment: The p.T254S variant (also known as c.761C>G), located in coding exon 8 of the ANKRD1 gene, results from a C to G substitution at nucleotide position 761. The threonine at codon 254 is replaced by serine, an amino acid with similar properties. This amino acid position is highly conserved in available vertebrate species. In addition, the in silico prediction for this alteration is inconclusive. The evidence for this gene-disease relationship is limited; therefore, the clinical significance of this alteration is unclear.

Labcorp Genetics (formerly Invitae), Labcorp
Classification: Uncertain significance for ANKRD1-related dilated cardiomyopathy. Last evaluated: 2022-03-09. Review status: criteria provided, single submitter. Criteria: Invitae Variant Classification Sherloc (09022015). Collection method: clinical testing. Allele origin: germline.
Comment: This sequence change replaces threonine, which is neutral and polar, with serine, which is neutral and polar, at codon 254 of the ANKRD1 protein (p.Thr254Ser). In summary, the available evidence is currently insufficient to determine the role of this variant in disease. Therefore, it has been classified as a Variant of Uncertain Significance. Algorithms developed to predict the effect of missense changes on protein structure and function (SIFT, PolyPhen-2, Align-GVGD) all suggest that this variant is likely to be disruptive. ClinVar contains an entry for this variant (Variation ID: 1018393). This variant has not been reported in the literature in individuals affected with ANKRD1-related conditions. This variant is present in population databases (no rsID available, gnomAD 0.0009%).